The following is an entry in ClinVar:

ClinVar aggregate classification (germline): Uncertain significance (1 of 4 stars; one submission).

Submission:

Ambry Genetics
Classification: Uncertain significance. Last evaluated: 2026-05-14. Review status: criteria provided, single submitter. Criteria: Ambry Variant Classification Scheme 2023. Collection method: clinical testing. Allele origin: germline.
Comment: The p.G428C variant (also known as c.1282G>T), located in coding exon 8 of the ATRIP gene, results from a G to T substitution at nucleotide position 1282. The glycine at codon 428 is replaced by cysteine, an amino acid with highly dissimilar properties. This amino acid position is conserved. In addition, this alteration is predicted to be tolerated by in silico analysis. Based on the available evidence, the clinical significance of this variant remains unclear.

NM_130384.3(ATRIP):c.1282G>T (p.Gly428Cys)

Genes: ATRIP (ATR interacting protein; plus strand), ATRIP-TREX1 (ATRIP-TREX1 readthrough; plus strand). Cytogenetic location: 3p21.31.
Variant type: single nucleotide variant.
Coding change: c.1282G>T on transcript NM_130384.3 (MANE Select); coding-DNA position 1282, G replaced by T.
Protein change: p.Gly428Cys; replaces glycine 428 with cysteine.
Molecular consequence: missense variant. On other transcripts: non-coding transcript variant (1).
Genome position (GRCh38, 1-based): chr3:48,460,336, G>T. VCF-style: chr3-48460336-G-T. GRCh37 (hg19) VCF-style: chr3-48501735-G-T.
Other names: c.1282G>T, p.Gly428Cys (NM_032166.4); c.901G>T, p.Gly301Cys (NM_001271022.2); c.1003G>T, p.Gly335Cys (NM_001271023.2); short protein forms G301C, G335C, G428C.
Identifiers: ClinVar variation 4867236 (VCV004867236.1).
Genomic context (GRCh38, chr3:48,460,336, plus strand): 5'-TTCCCACTCTGCCAGCTTCCTGGAGCCGTGCATTTCCTCCCCCTTGTACAGTTCTTCATC[G>T]GCTTACACTGCCAGGCCCTGCAGGACTTGGCAGCTGCTAAGAGAAGCGGAGCACCTGGGG-3'
Protein context (NP_569055.1, residues 418-438): HFLPLVQFFI[Gly428Cys]LHCQALQDLA